The following is an entry in ClinVar:

ClinVar aggregate classification (germline): Uncertain significance (1 of 4 stars; one submission).

Conditions:
Jeune thoracic dystrophy. Also called: Jeune syndrome; Infantile thoracic dystrophy; Thoracic pelvic phalangeal dystrophy; Jeune's syndrome; Chondroectodermal dysplasia-like syndrome; Short-rib thoracic dysplasia. Identifiers: Orphanet 474, MedGen C0265275, MONDO:0018770.

Allele frequency attached by ClinVar (database versions not stated): gnomAD exomes below 0.00001; gnomAD 0.00001; TOPMed 0.00001.
gnomAD v4.1: 5 of 1,612,432 alleles (0.00031%); highest among the groups gnomAD compares: Admixed American, 0.0017%; no homozygotes.

Submission:

Labcorp Genetics (formerly Invitae), Labcorp
Classification: Uncertain significance for Jeune thoracic dystrophy. Last evaluated: 2022-06-28. Review status: criteria provided, single submitter. Criteria: Invitae Variant Classification Sherloc (09022015). Collection method: clinical testing. Allele origin: germline.
Comment: In summary, the available evidence is currently insufficient to determine the role of this variant in disease. Therefore, it has been classified as a Variant of Uncertain Significance. Algorithms developed to predict the effect of missense changes on protein structure and function (SIFT, PolyPhen-2, Align-GVGD) all suggest that this variant is likely to be disruptive. This sequence change replaces alanine, which is neutral and non-polar, with valine, which is neutral and non-polar, at codon 636 of the IFT80 protein (p.Ala636Val). This variant is present in population databases (no rsID available, gnomAD 0.003%). This variant has not been reported in the literature in individuals affected with IFT80-related conditions.

NM_020800.3(IFT80):c.1907C>T (p.Ala636Val)

Genes: IFT80 (intraflagellar transport 80; minus strand), TRIM59-IFT80 (TRIM59-IFT80 readthrough (NMD candidate); minus strand). Cytogenetic location: 3q25.33.
Variant type: single nucleotide variant.
Coding change: c.1907C>T on transcript NM_020800.3 (MANE Select); coding-DNA position 1907, C replaced by T.
Protein change: p.Ala636Val; replaces alanine 636 with valine.
Molecular consequence: missense variant. On other transcripts: non-coding transcript variant (3).
Genome position (GRCh38, 1-based): chr3:160,277,600, G>A on the plus strand (C>T on the coding strand, the complement: IFT80 is on the minus strand). VCF-style: chr3-160277600-G-A. GRCh37 (hg19) VCF-style: chr3-159995388-G-A.
Other names: c.1496C>T, p.Ala499Val (NM_001190241.2, NM_001190242.2); short protein forms A499V, A636V.
Identifiers: ClinVar variation 2171304 (VCV002171304.4), dbSNP rs1306989206, ClinGen allele CA355190548.